The following is an entry in ClinVar:

ClinVar aggregate classification (germline): Uncertain significance (1 of 4 stars; one submission).

Conditions:
Neurodevelopmental disorder with or without hyperkinetic movements and seizures, autosomal dominant. Also called: Intellectual disability, autosomal dominant 8. Identifiers: MedGen C3280282, MONDO:0013655, OMIM 614254.

Submission:

MGZ Medical Genetics Center
Classification: Uncertain significance for Neurodevelopmental disorder with or without hyperkinetic movements and seizures, autosomal dominant. Last evaluated: 2022-06-01. Review status: criteria provided, single submitter. Criteria: ACMG Guidelines, 2015. Collection method: clinical testing. Allele origin: germline. Affected: yes. Observed: 1 variant allele.
Comment: ACMG criteria applied: PS2, PM2_SUP

NM_007327.4(GRIN1):c.408C>A (p.Ser136Arg)

Gene: GRIN1 (glutamate ionotropic receptor NMDA type subunit 1; plus strand). Cytogenetic location: 9q34.3.
Variant type: single nucleotide variant.
Coding change: c.408C>A on transcript NM_007327.4 (MANE Select); coding-DNA position 408, C replaced by A.
Protein change: p.Ser136Arg; replaces serine 136 with arginine.
Molecular consequence: missense variant.
Genome position (GRCh38, 1-based): chr9:137,145,740, C>A. VCF-style: chr9-137145740-C-A. GRCh37 (hg19) VCF-style: chr9-140040192-C-A.
Other names: c.408C>A, p.Ser136Arg (NM_000832.7, NM_001185090.2, NM_001185091.2 and 1 more transcripts); short protein forms S136R.
Identifiers: ClinVar variation 1709472 (VCV001709472.2), dbSNP rs2538532749, ClinGen allele CA375713841.